The following is an entry in ClinVar:

ClinVar aggregate classification (germline): Benign. Review status: criteria provided, multiple submitters, no conflicts (2 of 4 stars). 2 submissions from 2 submitters: Benign (2). Last evaluated 2018-01-12.

Conditions:
Hyaline fibromatosis syndrome (HFS). Also called: Hyalinosis, Inherited Systemic; HYALINOSIS, SYSTEMIC. Identifiers: Orphanet 2028, Orphanet 498474, MedGen C5574677, MONDO:0009229, OMIM 228600.

Allele frequency attached by ClinVar (database versions not stated): 1000 Genomes Project 0.01997; 1000 Genomes Project 30x 0.02030; TOPMed 0.03402; gnomAD 0.03482 and 0.03500; gnomAD exomes 0.07109.

Submissions (2):

Illumina Laboratory Services, Illumina
Classification: Benign for Hyaline fibromatosis syndrome. Last evaluated: 2018-01-12. Review status: criteria provided, single submitter. Criteria: ICSL Variant Classification Criteria 13 December 2019. Collection method: clinical testing. Allele origin: germline.
Comment: This variant was observed in the ICSL laboratory as part of a predisposition screen in an ostensibly healthy population. It had not been previously curated by ICSL or reported in the Human Gene Mutation Database (HGMD: prior to June 1st, 2018), and was therefore a candidate for classification through an automated scoring system. Utilizing variant allele frequency, disease prevalence and penetrance estimates, and inheritance mode, an automated score was calculated to assess if this variant is too frequent to cause the disease. Based on the score and internal cut-off values, a variant classified as benign is not then subjected to further curation. The score for this variant resulted in a classification of benign for this disease.

Breakthrough Genomics
Classification: Benign. Review status: criteria provided, single submitter. Criteria: ACMG Guidelines, 2015. Collection method: not provided. Allele origin: germline. Inheritance: Autosomal recessive inheritance. Affected: yes.

NM_058172.6(ANTXR2):c.*1663G>A

Gene: ANTXR2 (ANTXR cell adhesion molecule 2; minus strand). Cytogenetic location: 4q21.21.
Variant type: single nucleotide variant.
Coding change: c.*1663G>A on transcript NM_058172.6 (MANE Select); 1663 bases downstream of the stop codon, G replaced by A.
Molecular consequence: 3 prime UTR variant.
Genome position (GRCh38, 1-based): chr4:79,905,766, C>T on the plus strand (G>A on the coding strand, the complement: ANTXR2 is on the minus strand). VCF-style: chr4-79905766-C-T. GRCh37 (hg19) VCF-style: chr4-80826920-C-T.
Other names: c.*1663G>A (NM_001286780.2, NM_001286781.2).
Identifiers: ClinVar variation 905457 (VCV000905457.5), dbSNP rs113322831, ClinGen allele CA100488466.
Genomic context (GRCh38, chr4:79,905,766, plus strand): 5'-GTGTAAGGCCTCTTGGAACAGTGCCACAAACCTGGACACCAACCAACAGAATACTCCCGT[C>T]CTTTGAAATTTCCATTAAGAGCACAATGGGGGTAATTATACCAGGATGCTCCAATCGCTC-3'